The following is an entry in ClinVar:

NM_000170.3(GLDC):c.1739A>G (p.His580Arg)

Gene: GLDC (glycine decarboxylase; minus strand). Cytogenetic location: 9p24.1.
Variant type: single nucleotide variant.
Coding change: c.1739A>G on transcript NM_000170.3 (MANE Select); coding-DNA position 1739, A replaced by G.
Protein change: p.His580Arg; replaces histidine 580 with arginine.
Molecular consequence: missense variant.
Genome position (GRCh38, 1-based): chr9:6,587,252, T>C on the plus strand (A>G on the coding strand, the complement: GLDC is on the minus strand). VCF-style: chr9-6587252-T-C. GRCh37 (hg19) VCF-style: chr9-6587252-T-C.
Other names: short protein forms H580R.
Identifiers: ClinVar variation 3364919 (VCV003364919.4).

ClinVar aggregate classification (germline): Uncertain significance. Review status: criteria provided, multiple submitters, no conflicts (2 of 4 stars). 3 submissions from 3 submitters: Uncertain significance (2). 1 of the submissions does not count toward it. Last evaluated 2025-11-24.

Conditions:
Glycine encephalopathy. Also called: Nonketotic hyperglycinemia; Non-ketotic hyperglycinemia. Identifiers: Orphanet 407, MedGen C0751748, MONDO:0011612, HP:0008288.

Submissions (3):

Dasa
Classification: Uncertain significance. Last evaluated: 2025-11-24. Review status: criteria provided, single submitter. Criteria: DASA Assertion Criteria. Collection method: clinical testing. Allele origin: germline.
Comment: NM_000170.3(GLDC):c.1739A>G (p.His580Arg) is a missense variant that results in the substitution of histidine with arginine. This variant is absent from population databases. Computational prediction algorithms are consistent with a deleterious effect. The currently available literature and clinical evidence are not sufficient to establish a definitive association between this variant and the reported condition. Therefore, this variant is classified as a variant of uncertain significance.

GeneDx
Classification: Uncertain significance. Last evaluated: 2023-12-05. Review status: criteria provided, single submitter. Criteria: GeneDx Variant Classification Process June 2021. Collection method: clinical testing. Allele origin: germline. Affected: yes.
Comment: Not observed at significant frequency in large population cohorts (gnomAD); In silico analysis supports that this missense variant has a deleterious effect on protein structure/function; Has not been previously published as pathogenic or benign to our knowledge

Natera, Inc.
Classification: Uncertain significance for Non-ketotic hyperglycinemia. Last evaluated: 2025-01-02. Review status: no assertion criteria provided. Collection method: clinical testing. Allele origin: germline. Not counted in ClinVar's aggregate classification.